The following is an entry in ClinVar:

ClinVar aggregate classification (germline): Pathogenic (1 of 4 stars; one submission).

gnomAD v4.1: 78 of 1,613,692 alleles (0.0048%); highest among the groups gnomAD compares: Non-Finnish European, 0.0059%; 1 homozygote.

Submission:

Labcorp Genetics (formerly Invitae), Labcorp
Classification: Pathogenic. Last evaluated: 2025-03-23. Review status: criteria provided, single submitter. Criteria: Invitae Variant Classification Sherloc (09022015). Collection method: clinical testing. Allele origin: germline.
Comment: This sequence change creates a premature translational stop signal (p.Arg288*) in the ADAMTS17 gene. It is expected to result in an absent or disrupted protein product. Loss-of-function variants in ADAMTS17 are known to be pathogenic (PMID: 19836009, 24940034). This variant is present in population databases (rs773895033, gnomAD 0.006%), including at least one homozygous and/or hemizygous individual. This variant has not been reported in the literature in individuals affected with ADAMTS17-related conditions. Algorithms developed to predict the effect of sequence changes on RNA splicing suggest that this variant may disrupt the consensus splice site. For these reasons, this variant has been classified as Pathogenic.

Literature cited by the submitters: PubMed 19836009; PubMed 24940034.

NM_139057.4(ADAMTS17):c.862C>T (p.Arg288Ter)

Gene: ADAMTS17 (ADAM metallopeptidase with thrombospondin type 1 motif 17; minus strand). Cytogenetic location: 15q26.3.
Variant type: single nucleotide variant.
Coding change: c.862C>T on transcript NM_139057.4 (MANE Select); coding-DNA position 862, C replaced by T.
Protein change: p.Arg288Ter; replaces arginine 288 with a stop codon.
Molecular consequence: nonsense.
Genome position (GRCh38, 1-based): chr15:100,262,363, G>A on the plus strand (C>T on the coding strand, the complement: ADAMTS17 is on the minus strand). VCF-style: chr15-100262363-G-A. GRCh37 (hg19) VCF-style: chr15-100802568-G-A.
Other names: short protein forms R288*.
Identifiers: ClinVar variation 3710443 (VCV003710443.2).